The following is an entry in ClinVar:

NM_003128.3(SPTBN1):c.1341+6G>A

Gene: SPTBN1 (spectrin beta, non-erythrocytic 1; plus strand). Cytogenetic location: 2p16.2.
Variant type: single nucleotide variant.
Coding change: c.1341+6G>A on transcript NM_003128.3 (MANE Select); 6 bases into the intron after coding-DNA position 1341, G replaced by A.
Molecular consequence: intron variant.
Genome position (GRCh38, 1-based): chr2:54,624,968, G>A. VCF-style: chr2-54624968-G-A. GRCh37 (hg19) VCF-style: chr2-54852105-G-A.
Other names: c.1302+6G>A (NM_178313.3).
Identifiers: ClinVar variation 4981178 (VCV004981178.1).

ClinVar aggregate classification (germline): Likely benign (1 of 4 stars; one submission).

Conditions:
SPTBN1-related disorder. Also called: SPTBN1-related condition.

gnomAD v4.1: 1 of 1,577,006 alleles (0.000063%); highest among the groups gnomAD compares: Non-Finnish European, 0.000086%; no homozygotes.

Submission:

PreventionGenetics, part of Exact Sciences
Classification: Likely benign for SPTBN1-related condition. Last evaluated: 2025-09-16. Review status: criteria provided, single submitter. Criteria: ACMG Guidelines, 2015. Collection method: clinical testing. Allele origin: germline.
Comment: This variant is classified as likely benign based on ACMG/AMP sequence variant interpretation guidelines (Richards et al. 2015 PMID: 25741868, with internal and published modifications).